The following is an entry in ClinVar:

ClinVar aggregate classification (germline): Uncertain significance (1 of 4 stars; one submission).

Submission:

Dasa
Classification: Uncertain significance. Last evaluated: 2025-10-08. Review status: criteria provided, single submitter. Criteria: DASA Assertion Criteria. Collection method: clinical testing. Allele origin: germline.
Comment: NM_000257.4(MYH7):c.5174A>G (p.Asn1725Ser) is a missense variant that results in the substitution of asparagine with serine. This variant is absent from population databases. The currently available literature and clinical evidence are not sufficient to establish a definitive association between this variant and the reported condition. Therefore, this variant is classified as a variant of uncertain significance.

NM_000257.4(MYH7):c.5174A>G (p.Asn1725Ser)

Genes: MHRT (myosin heavy chain associated RNA transcript; plus strand), MYH7 (myosin heavy chain 7; minus strand), LOC126861897 (BRD4-independent group 4 enhancer GRCh37_chr14:23884455-23885654; plus strand). Cytogenetic location: 14q11.2.
Variant type: single nucleotide variant.
Coding change: c.5174A>G on transcript NM_000257.4 (MANE Select); coding-DNA position 5174, A replaced by G.
Protein change: p.Asn1725Ser; replaces asparagine 1725 with serine.
Molecular consequence: missense variant. On other transcripts: non-coding transcript variant (1).
Genome position (GRCh38, 1-based): chr14:23,415,490, T>C on the plus strand (A>G on the coding strand, the complement: MYH7 is on the minus strand). VCF-style: chr14-23415490-T-C. GRCh37 (hg19) VCF-style: chr14-23884699-T-C.
Other names: c.5174A>G, p.Asn1725Ser (NM_001407004.1); short protein forms N1725S.
Identifiers: ClinVar variation 4882997 (VCV004882997.2).
Genomic context (GRCh38, chr14:23,415,490, plus strand): 5'-ACTGCCTCCTCCACTTCAGTCTGGAGCTGGGACAGGTCAGCATCCATCTTCTTCTTCTGG[T>C]TGATGAGGCTGGTGTTCTGGGTTGGGGGAGGGTTGGGCAGAGCAGGAAAAGCATTGAGCA-3'
Protein context (NP_000248.2, residues 1715-1735): LLHSQNTSLI[Asn1725Ser]QKKKMDADLS